The following is an entry in ClinVar:

NM_001458.5(FLNC):c.454G>T (p.Asp152Tyr)

Gene: FLNC (filamin C; plus strand). Cytogenetic location: 7q32.1.
Variant type: single nucleotide variant.
Coding change: c.454G>T on transcript NM_001458.5 (MANE Select); coding-DNA position 454, G replaced by T.
Protein change: p.Asp152Tyr; replaces aspartic acid 152 with tyrosine.
Molecular consequence: missense variant.
Genome position (GRCh38, 1-based): chr7:128,835,427, G>T. VCF-style: chr7-128835427-G-T. GRCh37 (hg19) VCF-style: chr7-128475481-G-T.
Other names: c.454G>T, p.Asp152Tyr (NM_001127487.2); short protein forms D152Y.
Identifiers: ClinVar variation 3515950 (VCV003515950.1).

ClinVar aggregate classification (germline): Uncertain significance (1 of 4 stars; one submission).

Conditions:
Cardiovascular phenotype. Identifiers: MedGen CN230736.

gnomAD v4.1: 1 of 1,614,150 alleles (0.000062%); highest among the groups gnomAD compares: Non-Finnish European, 0.000085%; no homozygotes.

Submission:

Ambry Genetics
Classification: Uncertain significance for Cardiovascular phenotype. Last evaluated: 2024-09-25. Review status: criteria provided, single submitter. Criteria: Ambry Variant Classification Scheme 2023. Collection method: clinical testing. Allele origin: germline.
Comment: The p.D152Y variant (also known as c.454G>T), located in coding exon 2 of the FLNC gene, results from a G to T substitution at nucleotide position 454. The aspartic acid at codon 152 is replaced by tyrosine, an amino acid with highly dissimilar properties. This amino acid position is conserved. In addition, the in silico prediction for this alteration is inconclusive. Based on the available evidence, the clinical significance of this variant remains unclear.